The following is an entry in ClinVar:

ClinVar aggregate classification (germline): Uncertain significance (1 of 4 stars; one submission).

Conditions:
PURA-related severe neonatal hypotonia-seizures-encephalopathy syndrome (NEDRIHF). Also called: NEURODEVELOPMENTAL DISORDER WITH NEONATAL RESPIRATORY INSUFFICIENCY, HYPOTONIA, AND FEEDING DIFFICULTIES; PURA-Related Neurodevelopmental Disorders. Identifiers: Orphanet 438213, Orphanet 438216, MedGen C4015357, MONDO:1060108, OMIM 616158, MONDO:0018580.

Allele frequency attached by ClinVar (database versions not stated): TOPMed below 0.00001.

Submission:

Labcorp Genetics (formerly Invitae), Labcorp
Classification: Uncertain significance for PURA-related severe neonatal hypotonia-seizures-encephalopathy syndrome. Last evaluated: 2022-02-04. Review status: criteria provided, single submitter. Criteria: Invitae Variant Classification Sherloc (09022015). Collection method: clinical testing. Allele origin: germline.
Comment: In summary, the available evidence is currently insufficient to determine the role of this variant in disease. Therefore, it has been classified as a Variant of Uncertain Significance. Algorithms developed to predict the effect of missense changes on protein structure and function are either unavailable or do not agree on the potential impact of this missense change (SIFT: "Deleterious"; PolyPhen-2: "Probably Damaging"; Align-GVGD: "Class C0"). This variant has not been reported in the literature in individuals affected with PURA-related conditions. This variant is not present in population databases (gnomAD no frequency). This sequence change replaces glutamic acid, which is acidic and polar, with lysine, which is basic and polar, at codon 146 of the PURA protein (p.Glu146Lys).

NM_005859.5(PURA):c.436G>A (p.Glu146Lys)

Genes: PURA (purine rich element binding protein A; plus strand), LOC129994826 (ATAC-STARR-seq lymphoblastoid active region 23260; plus strand). Cytogenetic location: 5q31.3.
Variant type: single nucleotide variant.
Coding change: c.436G>A on transcript NM_005859.5 (MANE Select); coding-DNA position 436, G replaced by A.
Protein change: p.Glu146Lys; replaces glutamic acid 146 with lysine.
Molecular consequence: missense variant.
Genome position (GRCh38, 1-based): chr5:140,114,617, G>A. VCF-style: chr5-140114617-G-A. GRCh37 (hg19) VCF-style: chr5-139494202-G-A.
Other names: short protein forms E146K.
Identifiers: ClinVar variation 1407682 (VCV001407682.8), dbSNP rs1763047012, ClinGen allele CA361490760.